The following is an entry in ClinVar:

ClinVar aggregate classification (germline): Benign. Review status: criteria provided, single submitter (1 of 4 stars). 2 submissions from 2 submitters: Benign (1). 1 of the submissions does not count toward it. Last evaluated 2019-12-31.

Conditions:
INO80-related disorder. Also called: INO80-related condition.

Allele frequency attached by ClinVar (database versions not stated): ESP Exome Variant Server 0.00169; TOPMed 0.00199; gnomAD 0.00237 and 0.00271; gnomAD exomes 0.00336 and 0.00356; ExAC 0.00366; 1000 Genomes Project 30x 0.00500; 1000 Genomes Project 0.00539.
gnomAD v4.1: 5,607 of 1,614,000 alleles (0.35%); highest among the groups gnomAD compares: South Asian, 1.2%; 27 homozygotes.

Submissions (2):

Labcorp Genetics (formerly Invitae), Labcorp
Classification: Benign. Last evaluated: 2019-12-31. Review status: criteria provided, single submitter. Criteria: Invitae Variant Classification Sherloc (09022015). Collection method: clinical testing. Allele origin: germline.

PreventionGenetics, part of Exact Sciences
Classification: Benign for INO80-related condition. Last evaluated: 2019-04-29. Review status: no assertion criteria provided. Collection method: clinical testing. Allele origin: germline. Not counted in ClinVar's aggregate classification.
Comment: This variant is classified as benign based on ACMG/AMP sequence variant interpretation guidelines (Richards et al. 2015 PMID: 25741868, with internal and published modifications).

NM_017553.3(INO80):c.2829C>T (p.Tyr943=)

Gene: INO80 (INO80 complex ATPase subunit; minus strand). Cytogenetic location: 15q15.1.
Variant type: single nucleotide variant.
Coding change: c.2829C>T on transcript NM_017553.3 (MANE Select); coding-DNA position 2829, C replaced by T.
Protein change: p.Tyr943=; no amino-acid change (tyrosine 943 retained).
Molecular consequence: synonymous variant. On other transcripts: non-coding transcript variant (1).
Genome position (GRCh38, 1-based): chr15:41,044,982, G>A on the plus strand (C>T on the coding strand, the complement: INO80 is on the minus strand). VCF-style: chr15-41044982-G-A. GRCh37 (hg19) VCF-style: chr15-41337180-G-A.
Identifiers: ClinVar variation 731631 (VCV000731631.6), dbSNP rs61757230, ClinGen allele CA7488905.